The following is an entry in ClinVar:

NM_001111125.3(IQSEC2):c.882G>C (p.Gln294His)

Gene: IQSEC2 (IQ motif and Sec7 domain ArfGEF 2; minus strand). Cytogenetic location: Xp11.22.
Variant type: single nucleotide variant.
Coding change: c.882G>C on transcript NM_001111125.3 (MANE Select); coding-DNA position 882, G replaced by C.
Protein change: p.Gln294His; replaces glutamine 294 with histidine.
Molecular consequence: missense variant.
Genome position (GRCh38, 1-based): chrX:53,255,917, C>G on the plus strand (G>C on the coding strand, the complement: IQSEC2 is on the minus strand). VCF-style: chrX-53255917-C-G. GRCh37 (hg19) VCF-style: chrX-53285099-C-G.
Other names: c.882G>C, p.Gln294His (NM_001410736.1); c.267G>C, p.Gln89His (NM_015075.2); short protein forms Q294H, Q89H.
Identifiers: ClinVar variation 2074755 (VCV002074755.4), dbSNP rs2519851833, ClinGen allele CA413171618.

ClinVar aggregate classification (germline): Uncertain significance (1 of 4 stars; one submission).

Conditions:
Intellectual developmental disorder, X-linked 1. Also called: Atkin Flaitz Patil Smith syndrome; Intellectual disability, X-linked 1; MENTAL RETARDATION, X-LINKED 18; MENTAL RETARDATION, X-LINKED 78. Identifiers: Orphanet 777, MedGen C2931498, MONDO:0010656, OMIM 309530.

Submission:

Labcorp Genetics (formerly Invitae), Labcorp
Classification: Uncertain significance for Intellectual developmental disorder, X-linked 1. Last evaluated: 2023-12-11. Review status: criteria provided, single submitter. Criteria: Invitae Variant Classification Sherloc (09022015). Collection method: clinical testing. Allele origin: germline.
Comment: This sequence change replaces glutamine, which is neutral and polar, with histidine, which is basic and polar, at codon 294 of the IQSEC2 protein (p.Gln294His). This variant is not present in population databases (gnomAD no frequency). This variant has not been reported in the literature in individuals affected with IQSEC2-related conditions. ClinVar contains an entry for this variant (Variation ID: 2074755). Advanced modeling of protein sequence and biophysical properties (such as structural, functional, and spatial information, amino acid conservation, physicochemical variation, residue mobility, and thermodynamic stability) performed at Invitae indicates that this missense variant is not expected to disrupt IQSEC2 protein function with a negative predictive value of 95%. In summary, the available evidence is currently insufficient to determine the role of this variant in disease. Therefore, it has been classified as a Variant of Uncertain Significance.